The following is an entry in ClinVar:

NM_178170.3(NEK8):c.943_981del (p.Tyr315_Leu327del)

Gene: NEK8 (NIMA related kinase 8; plus strand). Cytogenetic location: 17q11.2.
Variant type: Deletion.
Coding change: c.943_981del on transcript NM_178170.3 (MANE Select); coding-DNA positions 943 to 981, 39 bases deleted.
Protein change: p.Tyr315_Leu327del.
Molecular consequence: inframe deletion.
Genome position (GRCh38, 1-based): chr17:28,737,872-28,737,910, 39 bases deleted; deleting any 39 consecutive bases within chr17:28,737,870-28,737,910 gives the same sequence; the c. name uses the placement nearest the transcript's 3' end. GRCh37 (hg19): chr17:27,064,890-27,064,928.
Identifiers: ClinVar variation 4995615 (VCV004995615.1).

ClinVar aggregate classification (germline): Uncertain significance (1 of 4 stars; one submission).

Conditions:
NEK8-related disorder. Also called: NEK8-related condition.

Submission:

PreventionGenetics, part of Exact Sciences
Classification: Uncertain significance for NEK8-related condition. Last evaluated: 2026-04-27. Review status: criteria provided, single submitter. Criteria: ACMG Guidelines, 2015. Collection method: clinical testing. Allele origin: germline.
Comment: The NEK8 c.943_981del39 variant is predicted to result in an in-frame deletion (p.Tyr315_Leu327del). To our knowledge, this variant has not been reported in the literature or in a large population database (gnomAD), indicating this variant is rare. At this time, the clinical significance of this variant is uncertain due to the absence of conclusive functional and genetic evidence.